The following is an entry in ClinVar:

ClinVar aggregate classification (germline): Conflicting classifications of pathogenicity. Review status: criteria provided, conflicting classifications (1 of 4 stars). 6 submissions from 6 submitters: Pathogenic (1); Likely pathogenic (1); Uncertain significance (4). Last evaluated 2025-01-30.

Conditions:
Mevalonic aciduria (MEVA). Identifiers: Orphanet 29, MedGen C1959626, MONDO:0012481, OMIM 610377.
Hyperimmunoglobulin D with periodic fever (HIDS). Also called: HYPERIMMUNOGLOBULINEMIA D AND PERIODIC FEVER SYNDROME; Hyperimmunoglobulinemia D; Hyperimmunoglobulinemia D with periodic fever. Identifiers: Orphanet 343, MedGen C0398691, MONDO:0009849, OMIM 260920.
Porokeratosis 3, disseminated superficial actinic type (POROK3). Also called: POROKERATOSIS, DISSEMINATED SUPERFICIAL ACTINIC, 1; POROKERATOSIS 3, MULTIPLE TYPES; POROKERATOSIS 3, MIBELLI TYPE. Identifiers: MedGen C1867981, MONDO:0008293, OMIM 175900.
Retinal dystrophy. Also called: Inherited retinal dystrophy. Identifiers: Orphanet 71862, MedGen C0854723, MeSH D058499, MONDO:0019118, HP:0000556.

Allele frequency attached by ClinVar (database versions not stated): gnomAD 0.00001; gnomAD exomes 0.00002; TOPMed 0.00002.
gnomAD v4.1: 36 of 1,613,826 alleles (0.0022%); highest among the groups gnomAD compares: Middle Eastern, 0.034%; no homozygotes.

Submissions (6):

Labcorp Genetics (formerly Invitae), Labcorp
Classification: Uncertain significance for Mevalonic aciduria; Hyperimmunoglobulin D with periodic fever; Porokeratosis 3, disseminated superficial actinic type. Last evaluated: 2025-01-30. Review status: criteria provided, single submitter. Criteria: Invitae Variant Classification Sherloc (09022015). Collection method: clinical testing. Allele origin: germline.
Comment: This sequence change replaces proline, which is neutral and non-polar, with leucine, which is neutral and non-polar, at codon 127 of the MVK protein (p.Pro127Leu). This variant is present in population databases (rs775474803, gnomAD 0.006%). This missense change has been observed in individual(s) with MVK-related conditions (PMID: 28341476, 31135083). ClinVar contains an entry for this variant (Variation ID: 812109). An algorithm developed to predict the effect of missense changes on protein structure and function outputs the following: PolyPhen-2: "Benign". The leucine amino acid residue is found in multiple mammalian species, which suggests that this missense change does not adversely affect protein function. In summary, the available evidence is currently insufficient to determine the role of this variant in disease. Therefore, it has been classified as a Variant of Uncertain Significance.

Fulgent Genetics
Classification: Uncertain significance for Porokeratosis 3, disseminated superficial actinic type; Hyperimmunoglobulin D with periodic fever; Mevalonic aciduria. Last evaluated: 2024-02-20. Review status: criteria provided, single submitter. Criteria: ACMG Guidelines, 2015. Collection method: clinical testing. Allele origin: germline.

Dept Of Ophthalmology, Nagoya University
Classification: Likely pathogenic for Retinal dystrophy. Last evaluated: 2023-10-01. Review status: criteria provided, single submitter. Criteria: Submitter's publication. Collection method: research. Allele origin: germline. Affected: yes.

GeneDx
Classification: Uncertain significance. Last evaluated: 2023-05-05. Review status: criteria provided, single submitter. Criteria: GeneDx Variant Classification Process June 2021. Collection method: clinical testing. Allele origin: germline. Affected: yes.
Comment: In silico analysis supports that this missense variant has a deleterious effect on protein structure/function; This variant is associated with the following publications: (PMID: 28341476)

Blueprint Genetics
Classification: Uncertain significance. Last evaluated: 2022-09-13. Review status: criteria provided, single submitter. Criteria: ACMG Guidelines, 2015. Collection method: clinical testing. Allele origin: germline.

Centre for Genomic Medicine, Manchester, Central Manchester University Hospitals
Classification: Pathogenic for Mevalonic aciduria. Last evaluated: 2019-02-01. Review status: criteria provided, single submitter. Criteria: ACMG Guidelines, 2015. Collection method: clinical testing. Allele origin: germline. Affected: yes. Observed: 1 variant allele, 1 homozygote.

Literature cited by the submitters: PubMed 28341476 (cited by Labcorp Genetics (formerly Invitae), Labcorp); PubMed 31135083 (cited by Labcorp Genetics (formerly Invitae), Labcorp).

NM_000431.4(MVK):c.380C>T (p.Pro127Leu)

Gene: MVK (mevalonate kinase; plus strand). Cytogenetic location: 12q24.11.
Variant type: single nucleotide variant.
Coding change: c.380C>T on transcript NM_000431.4 (MANE Select); coding-DNA position 380, C replaced by T.
Protein change: p.Pro127Leu; replaces proline 127 with leucine.
Molecular consequence: missense variant. On other transcripts: intron variant (1).
Genome position (GRCh38, 1-based): chr12:109,581,403, C>T. VCF-style: chr12-109581403-C-T. GRCh37 (hg19) VCF-style: chr12-110019208-C-T.
Other names: c.380C>T, p.Pro127Leu (NM_001114185.3); c.371+1457C>T (NM_001301182.2); short protein forms P127L.
Identifiers: ClinVar variation 812109 (VCV000812109.7), dbSNP rs775474803, ClinGen allele CA6779248.